The following is an entry in ClinVar:

ClinVar aggregate classification (germline): Likely pathogenic (1 of 4 stars; one submission).

Conditions:
Fanconi anemia (FA). Also called: Fanconi's anemia. Identifiers: Orphanet 84, MedGen C0015625, MeSH D005199, MONDO:0019391.

Submission:

Labcorp Genetics (formerly Invitae), Labcorp
Classification: Likely pathogenic for Fanconi anemia. Last evaluated: 2018-12-07. Review status: criteria provided, single submitter. Criteria: Invitae Variant Classification Sherloc (09022015). Collection method: clinical testing. Allele origin: germline.
Comment: In summary, the currently available evidence indicates that the variant is pathogenic, but additional data are needed to prove that conclusively. Therefore, this variant has been classified as Likely Pathogenic. Donor and acceptor splice site variants typically lead to a loss of protein function (PMID: 16199547), and loss-of-function variants in FANCA are known to be pathogenic (PMID: 19367192). Algorithms developed to predict the effect of sequence changes on RNA splicing suggest that this variant may disrupt the consensus splice site, but this prediction has not been confirmed by published transcriptional studies. This variant has not been reported in the literature in individuals with FANCA-related conditions. This variant is not present in population databases (ExAC no frequency). This sequence change affects a donor splice site in intron 29 of the FANCA gene. It is expected to disrupt RNA splicing and likely results in an absent or disrupted protein product.

Literature cited by the submitters: PubMed 16199547; PubMed 19367192.

NM_000135.4(FANCA):c.2852+2T>G

Gene: FANCA (FA complementation group A; minus strand). Cytogenetic location: 16q24.3.
Variant type: single nucleotide variant.
Coding change: c.2852+2T>G on transcript NM_000135.4 (MANE Select); the canonical splice donor site of the intron after coding-DNA position 2852, T replaced by G.
Molecular consequence: splice donor variant.
Genome position (GRCh38, 1-based): chr16:89,761,947, A>C on the plus strand (T>G on the coding strand, the complement: FANCA is on the minus strand). VCF-style: chr16-89761947-A-C. GRCh37 (hg19) VCF-style: chr16-89828355-A-C.
Other names: c.2852+2T>G (NM_001286167.3).
Identifiers: ClinVar variation 644151 (VCV000644151.7), dbSNP rs766875860, ClinGen allele CA397433081.